The following is an entry in ClinVar:

ClinVar aggregate classification (germline): Uncertain significance (1 of 4 stars; one submission).

gnomAD v4.1: 3 of 1,614,054 alleles (0.00019%); highest among the groups gnomAD compares: Non-Finnish European, 0.00025%; no homozygotes.

Submission:

Labcorp Genetics (formerly Invitae), Labcorp
Classification: Uncertain significance. Last evaluated: 2025-01-06. Review status: criteria provided, single submitter. Criteria: Invitae Variant Classification Sherloc (09022015). Collection method: clinical testing. Allele origin: germline.
Comment: This sequence change replaces asparagine, which is neutral and polar, with serine, which is neutral and polar, at codon 539 of the ERCC3 protein (p.Asn539Ser). This variant is not present in population databases (gnomAD no frequency). This variant has not been reported in the literature in individuals affected with ERCC3-related conditions. Invitae Evidence Modeling of protein sequence and biophysical properties (such as structural, functional, and spatial information, amino acid conservation, physicochemical variation, residue mobility, and thermodynamic stability) indicates that this missense variant is not expected to disrupt ERCC3 protein function with a negative predictive value of 80%. In summary, the available evidence is currently insufficient to determine the role of this variant in disease. Therefore, it has been classified as a Variant of Uncertain Significance.

NM_000122.2(ERCC3):c.1616A>G (p.Asn539Ser)

Gene: ERCC3 (ERCC excision repair 3, TFIIH core complex helicase subunit; minus strand). Cytogenetic location: 2q14.3.
Variant type: single nucleotide variant.
Coding change: c.1616A>G on transcript NM_000122.2 (MANE Select); coding-DNA position 1616, A replaced by G.
Protein change: p.Asn539Ser; replaces asparagine 539 with serine.
Molecular consequence: missense variant.
Genome position (GRCh38, 1-based): chr2:127,279,287, T>C on the plus strand (A>G on the coding strand, the complement: ERCC3 is on the minus strand). VCF-style: chr2-127279287-T-C. GRCh37 (hg19) VCF-style: chr2-128036863-T-C.
Other names: c.1424A>G, p.Asn475Ser (NM_001303416.2, NM_001303418.2); short protein forms N539S, N475S.
Identifiers: ClinVar variation 3651816 (VCV003651816.2).